The following is an entry in ClinVar:

ClinVar aggregate classification (germline): Uncertain significance (1 of 4 stars; one submission).

Submission:

GeneDx
Classification: Uncertain significance. Last evaluated: 2023-08-08. Review status: criteria provided, single submitter. Criteria: GeneDx Variant Classification Process June 2021. Collection method: clinical testing. Allele origin: germline. Affected: yes.
Comment: Not observed at significant frequency in large population cohorts (gnomAD); In silico analysis supports that this missense variant has a deleterious effect on protein structure/function; Has not been previously published as pathogenic or benign to our knowledge

NM_004667.6(HERC2):c.6584C>T (p.Ser2195Phe)

Gene: HERC2 (HECT and RLD domain containing E3 ubiquitin protein ligase 2; minus strand). Cytogenetic location: 15q13.1.
Variant type: single nucleotide variant.
Coding change: c.6584C>T on transcript NM_004667.6 (MANE Select); coding-DNA position 6584, C replaced by T.
Protein change: p.Ser2195Phe; replaces serine 2195 with phenylalanine.
Molecular consequence: missense variant.
Genome position (GRCh38, 1-based): chr15:28,213,944, G>A on the plus strand (C>T on the coding strand, the complement: HERC2 is on the minus strand). VCF-style: chr15-28213944-G-A. GRCh37 (hg19) VCF-style: chr15-28459090-G-A.
Other names: short protein forms S2195F.
Identifiers: ClinVar variation 3361895 (VCV003361895.1).